The following is an entry in ClinVar:

ClinVar aggregate classification (germline): Uncertain significance. Review status: criteria provided, multiple submitters, no conflicts (2 of 4 stars). 2 submissions from 2 submitters: Uncertain significance (2). Last evaluated 2024-11-19.

Conditions:
ATR-related disorder. Also called: ATR-related condition.
Inborn genetic diseases. Identifiers: MedGen C0950123, MeSH D030342.

Submissions (2):

PreventionGenetics, part of Exact Sciences
Classification: Uncertain significance for ATR-related condition. Last evaluated: 2024-11-19. Review status: criteria provided, single submitter. Criteria: ACMG Guidelines, 2015. Collection method: clinical testing. Allele origin: germline.
Comment: The ATR c.6293G>T variant is predicted to result in the amino acid substitution p.Gly2098Val. To our knowledge, this variant has not been reported in the literature or in a large population database (gnomAD), indicating this variant is rare. At this time, the clinical significance of this variant is uncertain due to the absence of conclusive functional and genetic evidence.

Ambry Genetics
Classification: Uncertain significance for Inborn genetic diseases. Last evaluated: 2024-03-23. Review status: criteria provided, single submitter. Criteria: Ambry Variant Classification Scheme 2023. Collection method: clinical testing. Allele origin: germline.
Comment: The p.G2098V variant (also known as c.6293G>T), located in coding exon 37 of the ATR gene, results from a G to T substitution at nucleotide position 6293. The glycine at codon 2098 is replaced by valine, an amino acid with dissimilar properties. This amino acid position is conserved. In addition, the in silico prediction for this alteration is inconclusive. Based on the available evidence, the clinical significance of this alteration remains unclear.

NM_001184.4(ATR):c.6293G>T (p.Gly2098Val)

Gene: ATR (ATR checkpoint kinase; minus strand). Cytogenetic location: 3q23.
Variant type: single nucleotide variant.
Coding change: c.6293G>T on transcript NM_001184.4 (MANE Select); coding-DNA position 6293, G replaced by T.
Protein change: p.Gly2098Val; replaces glycine 2098 with valine.
Molecular consequence: missense variant.
Genome position (GRCh38, 1-based): chr3:142,470,112, C>A on the plus strand (G>T on the coding strand, the complement: ATR is on the minus strand). VCF-style: chr3-142470112-C-A. GRCh37 (hg19) VCF-style: chr3-142188954-C-A.
Other names: c.6101G>T, p.Gly2034Val (NM_001354579.2); short protein forms G2034V, G2098V.
Identifiers: ClinVar variation 3331349 (VCV003331349.2).